The following is an entry in ClinVar:

ClinVar aggregate classification (germline): Uncertain significance. Review status: criteria provided, multiple submitters, no conflicts (2 of 4 stars). 2 submissions from 2 submitters: Uncertain significance (2). Last evaluated 2025-03-29.

Conditions:
Hereditary cancer-predisposing syndrome. Also called: Neoplastic Syndromes, Hereditary; Hereditary Cancer Syndrome; Tumor predisposition; Hereditary neoplastic syndrome. Identifiers: Orphanet 140162, MedGen C0027672, MeSH D009386, MONDO:0015356.
Ataxia-telangiectasia syndrome (AT). Also called: LOUIS-BAR SYNDROME; Cerebello-oculocutaneous telangiectasia; Immunodeficiency with ataxia telangiectasia; Ataxia-telangiectasia, complementation group D; AT, COMPLEMENTATION GROUP C; Ataxia-telangiectasia, complementation group E. Identifiers: Orphanet 100, MedGen C0004135, MONDO:0008840, OMIM 208900.

Submissions (2):

Labcorp Genetics (formerly Invitae), Labcorp
Classification: Uncertain significance for Ataxia-telangiectasia syndrome. Last evaluated: 2025-03-29. Review status: criteria provided, single submitter. Criteria: Invitae Variant Classification Sherloc (09022015). Collection method: clinical testing. Allele origin: germline.
Comment: This sequence change replaces arginine, which is basic and polar, with tryptophan, which is neutral and slightly polar, at codon 2105 of the ATM protein (p.Arg2105Trp). This variant is not present in population databases (gnomAD no frequency). This variant has not been reported in the literature in individuals affected with ATM-related conditions. ClinVar contains an entry for this variant (Variation ID: 479045). Invitae Evidence Modeling of protein sequence and biophysical properties (such as structural, functional, and spatial information, amino acid conservation, physicochemical variation, residue mobility, and thermodynamic stability) indicates that this missense variant is expected to disrupt ATM protein function with a positive predictive value of 95%. In summary, the available evidence is currently insufficient to determine the role of this variant in disease. Therefore, it has been classified as a Variant of Uncertain Significance.

Ambry Genetics
Classification: Uncertain significance for Hereditary cancer-predisposing syndrome. Last evaluated: 2016-11-23. Review status: criteria provided, single submitter. Criteria: Ambry Variant Classification Scheme 2023. Collection method: clinical testing. Allele origin: germline.
Comment: The p.R2105W variant (also known as c.6313A>T), located in coding exon 42 of the ATM gene, results from an A to T substitution at nucleotide position 6313. The arginine at codon 2105 is replaced by tryptophan, an amino acid with dissimilar properties. This variant was not reported in population based cohorts in the following databases: Database of Single Nucleotide Polymorphisms (dbSNP), NHLBI Exome Sequencing Project (ESP), and 1000 Genomes Project. In the ESP, this variant was not observed in 6499 samples (12998 alleles) with coverage at this position. To date, this alteration has been detected with an allele frequency of approximately 0.001% (greater than 180000 alleles tested) in our clinical cohort. This amino acid position is highly conserved in available vertebrate species. In addition, this alteration is predicted to be deleterious by in silico analysis. Since supporting evidence is limited at this time, the clinical significance of this alteration remains unclear.

NM_000051.4(ATM):c.6313A>T (p.Arg2105Trp)

Genes: ATM (ATM serine/threonine kinase; plus strand), C11orf65 (chromosome 11 open reading frame 65; minus strand). Cytogenetic location: 11q22.3.
Variant type: single nucleotide variant.
Coding change: c.6313A>T on transcript NM_000051.4 (MANE Select); coding-DNA position 6313, A replaced by T.
Protein change: p.Arg2105Trp; replaces arginine 2105 with tryptophan.
Molecular consequence: missense variant. On other transcripts: intron variant (2).
Genome position (GRCh38, 1-based): chr11:108,317,487, A>T. VCF-style: chr11-108317487-A-T. GRCh37 (hg19) VCF-style: chr11-108188214-A-T.
Other names: c.6313A>T, p.Arg2105Trp (NM_001351834.2); c.641-8416T>A (NM_001330368.2); c.*39-8416T>A (NM_001351110.2); short protein forms R2105W.
Identifiers: ClinVar variation 479045 (VCV000479045.7), dbSNP rs879253983, ClinGen allele CA382552169.